The following is an entry in ClinVar:

NM_007294.4(BRCA1):c.4485-1G>A

Gene: BRCA1 (BRCA1 DNA repair associated; minus strand). Cytogenetic location: 17q21.31.
Variant type: single nucleotide variant.
Coding change: c.4485-1G>A on transcript NM_007294.4 (MANE Select); the canonical splice acceptor site of the intron before coding-DNA position 4485, G replaced by A.
Molecular consequence: splice acceptor variant. On other transcripts: intron variant (3).
Genome position (GRCh38, 1-based): chr17:43,074,522, C>T on the plus strand (G>A on the coding strand, the complement: BRCA1 is on the minus strand). VCF-style: chr17-43074522-C-T. GRCh37 (hg19) VCF-style: chr17-41226539-C-T.
Other names: IVS14-1G>A; c.4356-1G>A (NM_001407941.1, NM_001407683.1, NM_001407686.1 and 6 more transcripts); c.4359-1G>A (NM_001407673.1, NM_001407674.1, NM_001407939.1 and 11 more transcripts); c.1170-1G>A (NM_001408400.1, NM_001408392.1, NM_001408397.1 and 8 more transcripts); c.1173-1G>A (NM_001407986.1, NM_001407979.1, NM_001407982.1 and 12 more transcripts); c.1239-1G>A (NM_001407972.1); c.4479-1G>A (NM_001407630.1, NM_001407633.1, NM_001407642.1 and 14 more transcripts); c.4482-1G>A (NM_001407615.1, NM_001407625.1, NM_001407619.1 and 17 more transcripts); and 72 more.
Identifiers: ClinVar variation 55213 (VCV000055213.32), dbSNP rs80358189, ClinGen allele CA002878.
Genomic context (GRCh38, chr17:43,074,522, plus strand): 5'-CCAGAGCAACTGTGCATGTACCACCTATCATCTAATGATGGGCATTTAGAAGGGGATGAC[C>T]TAGAAAGATAAATGGAAGGAGAAAACCATCGCCACCAATTGTGAAAGGACAAATCATACT-3'

ClinVar aggregate classification (germline): Pathogenic. Review status: criteria provided, multiple submitters, no conflicts (2 of 4 stars). 14 submissions from 14 submitters: Pathogenic (9). 5 of the submissions do not count toward it. Last evaluated 2025-11-23.

Conditions:
Hereditary breast ovarian cancer syndrome. Also called: BRCA1- and BRCA2-Associated Hereditary Breast and Ovarian Cancer; Hereditary breast and ovarian cancer syndrome; Hereditary breast and ovarian cancer syndrome (HBOC); Breast and ovarian cancer; Hereditary breast and/or ovarian cancer syndrome; Hereditary breast and ovarian cancer. Identifiers: Orphanet 145, MedGen C0677776, MeSH D061325, MONDO:0003582. Disease mechanism: loss of function.
Breast-ovarian cancer, familial, susceptibility to, 1 (BROVCA1). Also called: BRCA1 Hereditary Breast and Ovarian Cancer; OVARIAN CANCER, SUSCEPTIBILITY TO. Identifiers: Orphanet 145, MedGen C2676676, MONDO:0011450, OMIM 604370. Disease mechanism: loss of function.
Familial cancer of breast. Also called: hereditary breast carcinoma; BREAST CANCER, FAMILIAL; Hereditary breast cancer. Identifiers: Orphanet 227535, MedGen C0346153, MONDO:0016419, OMIM 114480. Disease mechanism: loss of function.
Fanconi anemia, complementation group S (FANCS). Identifiers: MedGen C4554406, MONDO:0054748, OMIM 617883.
Pancreatic cancer, susceptibility to, 4. Identifiers: Orphanet 1333, MedGen C3280442, MONDO:0013685, OMIM 614320.
Hereditary cancer-predisposing syndrome. Also called: Hereditary Cancer Syndrome; Hereditary neoplastic syndrome; Neoplastic Syndromes, Hereditary; Tumor predisposition. Identifiers: Orphanet 140162, MedGen C0027672, MeSH D009386, MONDO:0015356.
Malignant tumor of breast. Also called: Cancer breast; Malignant breast neoplasm. Identifiers: MedGen C0006142, MONDO:0007254. Disease mechanism: loss of function.

Allele frequency attached by ClinVar (database versions not stated): ExAC 0.00002; gnomAD exomes 0.00001.
gnomAD v4.1: 4 of 1,612,984 alleles (0.00025%); highest among the groups gnomAD compares: South Asian, 0.0044%; no homozygotes.

Submissions (14):

Labcorp Genetics (formerly Invitae), Labcorp
Classification: Pathogenic for Hereditary breast ovarian cancer syndrome. Last evaluated: 2025-11-23. Review status: criteria provided, single submitter. Criteria: Invitae Variant Classification Sherloc (09022015). Collection method: clinical testing. Allele origin: germline.
Comment: This sequence change affects an acceptor splice site in intron 13 of the BRCA1 gene. RNA analysis indicates that disruption of this splice site induces altered splicing and may result in an absent or altered protein product. This variant is present in population databases (rs80358189, gnomAD 0.01%). Disruption of this splice site has been observed in individual(s) with breast and/or ovarian cancer (PMID: 12181777, 27553291, 29446198, 31528241, 31843900, 35377489). This variant is also known as IVS14-1G>A. ClinVar contains an entry for this variant (Variation ID: 55213). Studies have shown that disruption of this splice site results in activation of a cryptic splice site, and produces a non-functional protein and/or introduces a premature termination codon (PMID: 31843900; internal data). For these reasons, this variant has been classified as Pathogenic.

GeneDx
Classification: Pathogenic. Last evaluated: 2025-09-08. Review status: criteria provided, single submitter. Criteria: GeneDx Variant Classification Process June 2021. Collection method: clinical testing. Allele origin: germline. Affected: yes.
Comment: Canonical splice site variant demonstrated to result in aberrant splicing, leading to a null allele in a gene for which loss of function is a known mechanism of disease (PMID: 31843900); Not observed at significant frequency in large population cohorts (gnomAD); Also known as IVS14-1G>A or 4604G>A; This variant is associated with the following publications: (PMID: 15533909, 25525159, 21559243, 12181777, 35693198, 31528241, 38355628, 29922827, 29446198, 35377489, 37306523, 38575974, 35216584, 35000471, 31843900, 27553291, 35710434)

Baylor Genetics
Classification: Pathogenic for Breast-ovarian cancer, familial, susceptibility to, 1. Last evaluated: 2024-03-22. Review status: criteria provided, single submitter. Criteria: ACMG Guidelines, 2015. Collection method: clinical testing. Allele origin: unknown.

Women's Health and Genetics/Laboratory Corporation of America, LabCorp
Classification: Pathogenic for Hereditary breast ovarian cancer syndrome. Last evaluated: 2022-07-29. Review status: criteria provided, single submitter. Criteria: LabCorp Variant Classification Summary - May 2015. Collection method: clinical testing. Allele origin: germline.
Comment: Variant summary: BRCA1 c.4485-1G>A is located in a canonical splice-site and is predicted to affect mRNA splicing resulting in a significantly altered protein due to either exon skipping, shortening, or inclusion of intronic material. Several computational tools predict a significant impact on normal splicing: Four predict the variant abolishes a canonical 3 acceptor site and creates a new cryptic exonic one. Experimental evidence supports these predictions demonstrating that this variant affects mRNA splicing, leading to aberrant transcripts and premature termination codons (Casadei_2019). The variant allele was found at a frequency of 1.2e-05 in 251076 control chromosomes (gnomAD). c.4485-1G>A has been reported in the literature in multiple individuals affected with Hereditary Breast And Ovarian Cancer Syndrome (e.g. Liede_2002, Malik_2009, Casadei_2019). These data indicate that the variant is very likely to be associated with disease. Nine ClinVar submitters (evaluation after 2014) cite the variant as pathogenic/likely pathogenic. Based on the evidence outlined above, the variant was classified as pathogenic.

Color Diagnostics, LLC DBA Color Health
Classification: Pathogenic for Hereditary cancer-predisposing syndrome. Last evaluated: 2021-04-13. Review status: criteria provided, single submitter. Criteria: ACMG Guidelines, 2015. Collection method: clinical testing. Allele origin: germline.
Comment: This variant causes a G to A nucleotide substitution at the -1 position of intron 13 splice acceptor site of the BRCA1 gene. A functional RNA study has shown that this variant results in the production of two different mutant transcripts: one due to the use of a cryptic acceptor site at c.4513 in exon 15, causing a deletion of 29 basepairs and premature protein truncation at codon 1496; and the other due to out-of-frame skipping of exon 14 (exon 15 according to BIC exon nomenclature), causing premature protein truncation at codon (PMID: 31843900). These transcripts are expected to result in a loss of BRCA1 function. This variant has been reported in multiple individuals affected with hereditary breast and/or ovarian cancer and is a recurrent mutation in the Pakistani individuals (PMID: 12181777, 27553291, 31843900). This variant has been identified in 3/251076 chromosomes in the general population by the Genome Aggregation Database (gnomAD). Loss of BRCA1 function is a known mechanism of disease. Based on the available evidence, this variant is classified as Pathogenic.

Fulgent Genetics
Classification: Pathogenic for Familial cancer of breast; Breast-ovarian cancer, familial, susceptibility to, 1; Pancreatic cancer, susceptibility to, 4; Fanconi anemia, complementation group S. Last evaluated: 2018-10-31. Review status: criteria provided, single submitter. Criteria: ACMG Guidelines, 2015. Collection method: clinical testing. Allele origin: unknown.

Ambry Genetics
Classification: Pathogenic for Hereditary cancer-predisposing syndrome. Last evaluated: 2018-05-31. Review status: criteria provided, single submitter. Criteria: Ambry Variant Classification Scheme 2023. Collection method: clinical testing. Allele origin: germline.
Comment: The c.4485-1G>A intronic pathogenic mutation results from a G to A substitution one nucleotide upstream from coding exon 13 of the BRCA1 gene. This alteration has been reported in Pakistani families with breast and/or ovarian cancer (Liede A et al. Am. J. Hum. Genet., 2002 Sep;71:595-606; Rashid MU et al. BMC Cancer, 2016 08;16:673). In addition to the clinical data presented in the literature, alterations that disrupt the canonical splice site are expected to cause aberrant splicing, resulting in an abnormal protein or a transcript that is subject to nonsense-mediated mRNA decay. As such, this alteration is classified as a disease-causing mutation.

Consortium of Investigators of Modifiers of BRCA1/2 (CIMBA), c/o University of Cambridge
Classification: Pathogenic for Breast-ovarian cancer, familial, susceptibility to, 1. Last evaluated: 2015-10-02. Review status: criteria provided, single submitter. Criteria: CIMBA Mutation Classification guidelines May 2016. Collection method: clinical testing. Allele origin: germline.

Quest Diagnostics Nichols Institute San Juan Capistrano
Classification: Pathogenic for Breast-ovarian cancer, familial, susceptibility to, 1. Last evaluated: 2015-07-15. Review status: criteria provided, single submitter. Criteria: Quest Diagnostics criteria. Collection method: clinical testing. Allele origin: germline. Inheritance: Autosomal dominant inheritance.

King Laboratory, University of Washington
Classification: Pathogenic for Hereditary breast and ovarian cancer syndrome; Breast-ovarian cancer, familial 1. Last evaluated: 2019-09-01. Review status: no assertion criteria provided. Collection method: research. Allele origin: germline. Affected: yes. Not counted in ClinVar's aggregate classification.
Comment: Transcript analysis by cBROCA

Counsyl
Classification: Pathogenic for Breast-ovarian cancer, familial 1. Last evaluated: 2015-01-15. Review status: no assertion criteria provided. Collection method: literature only. Allele origin: unknown. Inheritance: Autosomal dominant inheritance. Not counted in ClinVar's aggregate classification.

Research Molecular Genetics Laboratory, Women's College Hospital, University of Toronto
Classification: Pathogenic for Hereditary breast ovarian cancer syndrome. Last evaluated: 2014-01-31. Review status: no assertion criteria provided. Collection method: research. Allele origin: germline. Affected: yes. Study: The Canadian Open Genetics Repository (COGR). Not counted in ClinVar's aggregate classification.

Breast Cancer Information Core (BIC) (BRCA1)
Classification: Pathogenic for Breast-ovarian cancer, familial 1. Last evaluated: 2002-05-29. Review status: no assertion criteria provided. Collection method: clinical testing. Allele origin: germline. Affected: yes. Observed: 2 variant alleles. Not counted in ClinVar's aggregate classification.

Department of Pathology and Laboratory Medicine, Sinai Health System
Classification: Pathogenic for Malignant tumor of breast. Review status: no assertion criteria provided. Collection method: clinical testing. Allele origin: unknown. Affected: yes. Study: The Canadian Open Genetics Repository (COGR). Not counted in ClinVar's aggregate classification.
Comment: The BRCA1, c.4485-1G>A variant was identified in 4 of 922 proband chromosomes (frequency: 0.004) from individuals or families with hereditary breast and ovarian cancer and was not identified in 200 control chromosomes from healthy individuals (Liede 2002); however, an insufficient number of controls were included in these studies to determine the frequency of this variant in the general population. The mutation was found in multiple case subjects and represents a candidate founder mutation in the Pakistani population (Liede 2002). The variant was also identified in dbSNP (ID: rs80358189) â€šÃ„ÃºWith Pathogenic alleleâ€šÃ„Ã¹, HGMD as a â€šÃ„Ãºdisease causing mutationâ€šÃ„Ã¹, the ClinVar database (classified as a pathogenic variant by the Sharing Clinical Reports Project, derived from Myriad reports), the BIC database (2X with â€šÃ„Ãºpendingâ€šÃ„Ã¹ clinical importance), and UMD (3X as a causal variant). The c.4485-1G>A variant is predicted to cause abnormal splicing because the nucleotide substitution occurs in the invariant region of the splice consensus sequence. In addition, 5 of 5 in silico or computational prediction software programs (SpliceSiteFinder, MaxEntScan, NNSPLICE, GeneSplicer, HumanSpliceFinder) predict a greater than 10% difference in splicing. In summary, based on the above information, this variant meets our laboratoryâ€šÃ„Ã´s criteria to be classified as pathogenic.

Literature cited by the submitters: PubMed 12181777 (cited by 5 submitters); PubMed 27553291 (cited by Labcorp Genetics (formerly Invitae), Labcorp and Ambry Genetics); PubMed 29446198 (cited by Labcorp Genetics (formerly Invitae), Labcorp); PubMed 31528241 (cited by Labcorp Genetics (formerly Invitae), Labcorp); PubMed 31843900 (cited by 3 submitters); PubMed 35377489 (cited by Labcorp Genetics (formerly Invitae), Labcorp); PubMed 16267036 (cited by Women's Health and Genetics/Laboratory Corporation of America, LabCorp); PubMed 21559243 (cited by Ambry Genetics and Counsyl); PubMed 26622941 (cited by Ambry Genetics); PubMed 26295337 (cited by Quest Diagnostics Nichols Institute San Juan Capistrano).